The following is an entry in ClinVar:

NM_000083.3(CLCN1):c.677G>A (p.Gly226Asp)

Gene: CLCN1 (chloride voltage-gated channel 1; plus strand). Cytogenetic location: 7q34.
Variant type: single nucleotide variant.
Coding change: c.677G>A on transcript NM_000083.3 (MANE Select); coding-DNA position 677, G replaced by A.
Protein change: p.Gly226Asp; replaces glycine 226 with aspartic acid.
Molecular consequence: missense variant. On other transcripts: non-coding transcript variant (1).
Genome position (GRCh38, 1-based): chr7:143,321,829, G>A. VCF-style: chr7-143321829-G-A. GRCh37 (hg19) VCF-style: chr7-143018922-G-A.
Other names: short protein forms G226D.
Identifiers: ClinVar variation 2006316 (VCV002006316.4), dbSNP rs1304529237, ClinGen allele CA369684985.

ClinVar aggregate classification (germline): Uncertain significance (1 of 4 stars; one submission).

Conditions:
Congenital myotonia, autosomal recessive form. Also called: BECKER DISEASE; Becker Generalized Myotonia; myotonia congenita, autosomal recessive. Identifiers: Orphanet 614, MedGen C0751360, MONDO:0009715, OMIM 255700.
Congenital myotonia, autosomal dominant form (THD). Also called: THOMSEN DISEASE; Myotonia congenita autosomal dominant. Identifiers: Orphanet 614, MedGen C2936781, MONDO:0008055, OMIM 160800.

Allele frequency attached by ClinVar (database versions not stated): gnomAD exomes below 0.00001.
gnomAD v4.1: 2 of 1,614,212 alleles (0.00012%); highest among the groups gnomAD compares: South Asian, 0.0022%; no homozygotes.

Submission:

Labcorp Genetics (formerly Invitae), Labcorp
Classification: Uncertain significance for Congenital myotonia, autosomal recessive form; Congenital myotonia, autosomal dominant form. Last evaluated: 2022-08-10. Review status: criteria provided, single submitter. Criteria: Invitae Variant Classification Sherloc (09022015). Collection method: clinical testing. Allele origin: germline.
Comment: This sequence change replaces glycine, which is neutral and non-polar, with aspartic acid, which is acidic and polar, at codon 226 of the CLCN1 protein (p.Gly226Asp). In summary, the available evidence is currently insufficient to determine the role of this variant in disease. Therefore, it has been classified as a Variant of Uncertain Significance. Advanced modeling of protein sequence and biophysical properties (such as structural, functional, and spatial information, amino acid conservation, physicochemical variation, residue mobility, and thermodynamic stability) performed at Invitae indicates that this missense variant is expected to disrupt CLCN1 protein function. This variant has not been reported in the literature in individuals affected with CLCN1-related conditions. This variant is present in population databases (no rsID available, gnomAD 0.0009%).